The following is an entry in ClinVar:

NM_000492.4(CFTR):c.4036_4042del (p.Leu1346fs)

Gene: CFTR (CF transmembrane conductance regulator; plus strand). Cytogenetic location: 7q31.2.
Variant type: Deletion.
Coding change: c.4036_4042del on transcript NM_000492.4 (MANE Select); coding-DNA positions 4036 to 4042, 7 bases deleted (CTAAGCC; older notation c.4036_4042delCTAAGCC).
Protein change: p.Leu1346fs; shifts the reading frame from leucine 1346.
Molecular consequence: frameshift variant.
Genome position (GRCh38, 1-based): chr7:117,664,760-117,664,766, CTAAGCC deleted; deleting any 7 consecutive bases within chr7:117,664,759-117,664,766 gives the same sequence; the c. name uses the placement nearest the transcript's 3' end. VCF-style (leftmost placement, unchanged base first): chr7-117664758-TCCTAAGC-T. GRCh37 (hg19) VCF-style: chr7-117304812-TCCTAAGC-T.
Other names: c.4036_4042delCTAAGCC (NM_000492.3).
Identifiers: ClinVar variation 53876 (VCV000053876.5), dbSNP rs397508662, ClinGen allele CA327385.

ClinVar aggregate classification (germline): Pathogenic. Review status: reviewed by expert panel (3 of 4 stars). 3 submissions from 3 submitters: Pathogenic (1). 2 of the submissions do not count toward it. Last evaluated 2017-12-08.

Conditions:
CFTR-related disorder (CFTR-RD). Also called: CFTR-related disorders; CFTR-related condition. Identifiers: MedGen C5924204, MONDO:7770004.
Cystic fibrosis (CF). Also called: MUCOVISCIDOSIS. Identifiers: Orphanet 586, MedGen C0010674, MONDO:0009061, OMIM 219700. Disease mechanism: loss of function.

Submissions (3):

CFTR2
Classification: Pathogenic for Cystic fibrosis. Last evaluated: 2017-12-08. Review status: reviewed by expert panel. Criteria: Sosnay PR et al. (Nat Genet 2013). Collection method: research. Allele origin: germline. Affected: yes.

Labcorp Genetics (formerly Invitae), Labcorp
Classification: Pathogenic for Cystic fibrosis. Last evaluated: 2024-01-29. Review status: criteria provided, single submitter. Criteria: Invitae Variant Classification Sherloc (09022015). Collection method: clinical testing. Allele origin: germline. Not counted in ClinVar's aggregate classification.
Comment: This sequence change creates a premature translational stop signal (p.Leu1346Metfs*6) in the CFTR gene. It is expected to result in an absent or disrupted protein product. Loss-of-function variants in CFTR are known to be pathogenic (PMID: 1695717, 7691345, 9725922). This variant is not present in population databases (gnomAD no frequency). This premature translational stop signal has been observed in individual(s) with cystic fibrosis (PMID: 15084222). This variant is also known as c.4167del7. ClinVar contains an entry for this variant (Variation ID: 53876). Algorithms developed to predict the effect of sequence changes on RNA splicing suggest that this variant may disrupt the consensus splice site. For these reasons, this variant has been classified as Pathogenic.

Natera, Inc.
Classification: Pathogenic for CFTR-related disorders. Last evaluated: 2017-03-17. Review status: no assertion criteria provided. Collection method: clinical testing. Allele origin: germline. Not counted in ClinVar's aggregate classification.

Literature cited by the submitters: PubMed 1695717 (cited by Labcorp Genetics (formerly Invitae), Labcorp); PubMed 7691345 (cited by Labcorp Genetics (formerly Invitae), Labcorp); PubMed 9725922 (cited by Labcorp Genetics (formerly Invitae), Labcorp); PubMed 15084222 (cited by Labcorp Genetics (formerly Invitae), Labcorp).